The following is an entry in ClinVar:

NM_001164508.2(NEB):c.17672A>C (p.Lys5891Thr)

Gene: NEB (nebulin; minus strand). Cytogenetic location: 2q23.3.
Variant type: single nucleotide variant.
Coding change: c.17672A>C on transcript NM_001164508.2 (MANE Select); coding-DNA position 17672, A replaced by C.
Protein change: p.Lys5891Thr; replaces lysine 5891 with threonine.
Molecular consequence: missense variant.
Genome position (GRCh38, 1-based): chr2:151,568,380, T>G on the plus strand (A>C on the coding strand, the complement: NEB is on the minus strand). VCF-style: chr2-151568380-T-G. GRCh37 (hg19) VCF-style: chr2-152424894-T-G.
Other names: c.17672A>C, p.Lys5891Thr (NM_001164507.2, NM_001271208.2); c.12569A>C, p.Lys4190Thr (NM_004543.5); short protein forms K4190T, K5891T.
Identifiers: ClinVar variation 2066302 (VCV002066302.5), dbSNP rs770153434, ClinGen allele CA1908138.
Genomic context (GRCh38, chr2:151,568,380, plus strand): 5'-TCCAGTATCCTAGCAGCCTCCTGGGCAGTGTGCAGCAGGGGGGTTTCTGTGAGGGTGTAC[T>G]TTGATTTGGTGGCATTCCAGTCTTTCCGGTATTTAATCTAAAAAAAAAAAAATGAGAGGC-3'
Protein context (NP_001157980.2, residues 5881-5901): YRKDWNATKS[Lys5891Thr]YTLTETPLLH

ClinVar aggregate classification (germline): Conflicting classifications of pathogenicity. Review status: criteria provided, conflicting classifications (1 of 4 stars). 2 submissions from 2 submitters: Uncertain significance (1); Likely benign (1). Last evaluated 2025-04-02.

Conditions:
NEB-related disorder. Also called: NEB-Related Disorders; NEB-related condition.
Nemaline myopathy 2 (NEM2). Also called: Nemaline myopathy 2, autosomal recessive. Identifiers: MedGen C1850569, MONDO:0009725, OMIM 256030.

Allele frequency attached by ClinVar (database versions not stated): gnomAD 0.00001; gnomAD exomes 0.00001; ExAC 0.00002.
gnomAD v4.1: 23 of 1,613,180 alleles (0.0014%); highest among the groups gnomAD compares: South Asian, 0.02%; no homozygotes.

Submissions (2):

Labcorp Genetics (formerly Invitae), Labcorp
Classification: Likely benign for Nemaline myopathy 2. Last evaluated: 2025-04-02. Review status: criteria provided, single submitter. Criteria: Invitae Variant Classification Sherloc (09022015). Collection method: clinical testing. Allele origin: germline.

PreventionGenetics, part of Exact Sciences
Classification: Uncertain significance for NEB-related condition. Last evaluated: 2022-09-22. Review status: criteria provided, single submitter. Criteria: ACMG Guidelines, 2015. Collection method: clinical testing. Allele origin: germline.
Comment: The NEB c.17672A>C variant is predicted to result in the amino acid substitution p.Lys5891Thr. To our knowledge, this variant has not been reported in the literature. This variant is reported in 0.016% of alleles in individuals of South Asian descent in gnomAD. At this time, the clinical significance of this variant is uncertain due to the absence of conclusive functional and genetic evidence.